The following is an entry in ClinVar:

NM_133433.4(NIPBL):c.748A>T (p.Met250Leu)

Gene: NIPBL (NIPBL cohesin loading factor; plus strand). Cytogenetic location: 5p13.2.
Variant type: single nucleotide variant.
Coding change: c.748A>T on transcript NM_133433.4 (MANE Select); coding-DNA position 748, A replaced by T.
Protein change: p.Met250Leu; replaces methionine 250 with leucine.
Molecular consequence: missense variant.
Genome position (GRCh38, 1-based): chr5:36,971,013, A>T. VCF-style: chr5-36971013-A-T. GRCh37 (hg19) VCF-style: chr5-36971115-A-T.
Other names: c.748A>T, p.Met250Leu (NM_015384.5); short protein forms M250L.
Identifiers: ClinVar variation 3637067 (VCV003637067.2).

ClinVar aggregate classification (germline): Uncertain significance (1 of 4 stars; one submission).

Conditions:
Cornelia de Lange syndrome 1 (CDLS1). Also called: Brachmann de Lange syndrome; NIPBL-Related Cornelia de Lange Syndrome; TYPUS DEGENERATIVUS AMSTELODAMENSIS. Identifiers: Orphanet 199, MedGen C4551851, MONDO:0007387, OMIM 122470.

Submission:

Labcorp Genetics (formerly Invitae), Labcorp
Classification: Uncertain significance for Cornelia de Lange syndrome 1. Last evaluated: 2024-12-17. Review status: criteria provided, single submitter. Criteria: Invitae Variant Classification Sherloc (09022015). Collection method: clinical testing. Allele origin: germline.
Comment: This sequence change replaces methionine, which is neutral and non-polar, with leucine, which is neutral and non-polar, at codon 250 of the NIPBL protein (p.Met250Leu). This variant is not present in population databases (gnomAD no frequency). This variant has not been reported in the literature in individuals affected with NIPBL-related conditions. Invitae Evidence Modeling of protein sequence and biophysical properties (such as structural, functional, and spatial information, amino acid conservation, physicochemical variation, residue mobility, and thermodynamic stability) has been performed for this missense variant. However, the output from this modeling did not meet the statistical confidence thresholds required to predict the impact of this variant on NIPBL protein function. In summary, the available evidence is currently insufficient to determine the role of this variant in disease. Therefore, it has been classified as a Variant of Uncertain Significance.